The following is an entry in ClinVar:

ClinVar aggregate classification (germline): Uncertain significance (1 of 4 stars; one submission).

Conditions:
Inborn genetic diseases. Identifiers: MedGen C0950123, MeSH D030342.

Allele frequency attached by ClinVar (database versions not stated): ExAC 0.00001; ESP Exome Variant Server 0.00008.

Submission:

Ambry Genetics
Classification: Uncertain significance for Inborn genetic diseases. Last evaluated: 2024-01-08. Review status: criteria provided, single submitter. Criteria: Ambry Variant Classification Scheme 2023. Collection method: clinical testing. Allele origin: germline.
Comment: The c.1043C>T (p.T348M) alteration is located in exon 10 (coding exon 8) of the KDM4B gene. This alteration results from a C to T substitution at nucleotide position 1043, causing the threonine (T) at amino acid position 348 to be replaced by a methionine (M). Based on data from gnomAD, the T allele has an overall frequency of <0.001% (1/242530) total alleles studied. The highest observed frequency was 0.006% (1/15598) of African alleles. However, this alteration was flagged as a low confidence call in gnomAD. This amino acid position is highly conserved in available vertebrate species. The in silico prediction for this alteration is inconclusive. Based on insufficient or conflicting evidence, the clinical significance of this alteration remains unclear.

NM_015015.3(KDM4B):c.1043C>T (p.Thr348Met)

Gene: KDM4B (lysine demethylase 4B; plus strand). Cytogenetic location: 19p13.3.
Variant type: single nucleotide variant.
Coding change: c.1043C>T on transcript NM_015015.3 (MANE Select); coding-DNA position 1043, C replaced by T.
Protein change: p.Thr348Met; replaces threonine 348 with methionine.
Molecular consequence: missense variant.
Genome position (GRCh38, 1-based): chr19:5,110,746, C>T. VCF-style: chr19-5110746-C-T. GRCh37 (hg19) VCF-style: chr19-5110757-C-T.
Other names: c.1043C>T, p.Thr348Met (NM_001370093.1, NM_001370094.1, NM_001411148.1); short protein forms T348M.
Identifiers: ClinVar variation 3113787 (VCV003113787.1), dbSNP rs151101183, ClinGen allele CA9107563.